The following is an entry in ClinVar:

NM_024577.4(SH3TC2):c.2253_2256dup (p.Ser754fs)

Gene: SH3TC2 (SH3 domain and tetratricopeptide repeats 2; minus strand). Cytogenetic location: 5q32.
Variant type: Duplication.
Coding change: c.2253_2256dup on transcript NM_024577.4 (MANE Select); coding-DNA positions 2253 to 2256, 4 bases duplicated (AGAC; older notation c.2253_2256dupAGAC).
Protein change: p.Ser754fs; shifts the reading frame from serine 754.
Molecular consequence: frameshift variant.
Genome position (GRCh38, 1-based): chr5:149,027,476-149,027,479, GTCT duplicated on the plus strand (AGAC on the coding strand, the reverse complement: SH3TC2 is on the minus strand); duplicating any 4 consecutive bases within chr5:149,027,476-149,027,480 gives the same sequence; the c. name uses the placement nearest the transcript's 3' end. VCF-style (leftmost placement, unchanged base first): chr5-149027475-G-GGTCT. GRCh37 (hg19) VCF-style: chr5-148407038-G-GGTCT.
Other names: short protein forms S754fs.
Identifiers: ClinVar variation 1966232 (VCV001966232.5), dbSNP rs2531772287, ClinGen allele CA2580073844.

ClinVar aggregate classification (germline): Pathogenic (1 of 4 stars; one submission).

Conditions:
Charcot-Marie-Tooth disease type 4. Also called: Charcot-Marie-Tooth disease, type IV; Charcot-Marie-Tooth, Type 4. Identifiers: Orphanet 64749, MedGen C4082197, MONDO:0018995.

Submission:

Labcorp Genetics (formerly Invitae), Labcorp
Classification: Pathogenic for Charcot-Marie-Tooth disease type 4. Last evaluated: 2022-07-11. Review status: criteria provided, single submitter. Criteria: Invitae Variant Classification Sherloc (09022015). Collection method: clinical testing. Allele origin: germline.
Comment: For these reasons, this variant has been classified as Pathogenic. This variant has not been reported in the literature in individuals affected with SH3TC2-related conditions. This variant is not present in population databases (gnomAD no frequency). This sequence change creates a premature translational stop signal (p.Ser754Profs*22) in the SH3TC2 gene. It is expected to result in an absent or disrupted protein product. Loss-of-function variants in SH3TC2 are known to be pathogenic (PMID: 20220177, 27068304).

Literature cited by the submitters: PubMed 20220177; PubMed 27068304.